The following is an entry in ClinVar:

NM_003922.4(HERC1):c.10613C>T (p.Pro3538Leu)

Gene: HERC1 (HECT and RLD domain containing E3 ubiquitin protein ligase family member 1; minus strand). Cytogenetic location: 15q22.31.
Variant type: single nucleotide variant.
Coding change: c.10613C>T on transcript NM_003922.4 (MANE Select); coding-DNA position 10613, C replaced by T.
Protein change: p.Pro3538Leu; replaces proline 3538 with leucine.
Molecular consequence: missense variant.
Genome position (GRCh38, 1-based): chr15:63,649,859, G>A on the plus strand (C>T on the coding strand, the complement: HERC1 is on the minus strand). VCF-style: chr15-63649859-G-A. GRCh37 (hg19) VCF-style: chr15-63942058-G-A.
Other names: c.10613C>T (NM_003922.3); short protein forms P3538L.
Identifiers: ClinVar variation 1364237 (VCV001364237.5), dbSNP rs548768690, ClinGen allele CA7604420.

ClinVar aggregate classification (germline): Uncertain significance. Review status: criteria provided, multiple submitters, no conflicts (2 of 4 stars). 2 submissions from 2 submitters: Uncertain significance (2). Last evaluated 2025-10-22.

Conditions:
Inborn genetic diseases. Identifiers: MedGen C0950123, MeSH D030342.

Allele frequency attached by ClinVar (database versions not stated): ExAC 0.00017; 1000 Genomes Project 30x 0.00047; TOPMed 0.00005; gnomAD 0.00006 and 0.00008; gnomAD exomes 0.00013; 1000 Genomes Project 0.00060.
gnomAD v4.1: 180 of 1,612,788 alleles (0.011%); highest among the groups gnomAD compares: South Asian, 0.078%; 1 homozygote.

Submissions (2):

Labcorp Genetics (formerly Invitae), Labcorp
Classification: Uncertain significance. Last evaluated: 2025-10-22. Review status: criteria provided, single submitter. Criteria: Invitae Variant Classification Sherloc (09022015). Collection method: clinical testing. Allele origin: germline.
Comment: This sequence change replaces proline, which is neutral and non-polar, with leucine, which is neutral and non-polar, at codon 3538 of the HERC1 protein (p.Pro3538Leu). This variant is present in population databases (rs548768690, gnomAD 0.08%). This variant has not been reported in the literature in individuals affected with HERC1-related conditions. ClinVar contains an entry for this variant (Variation ID: 1364237). Invitae Evidence Modeling of protein sequence and biophysical properties (such as structural, functional, and spatial information, amino acid conservation, physicochemical variation, residue mobility, and thermodynamic stability) indicates that this missense variant is not expected to disrupt HERC1 protein function with a negative predictive value of 80%. In summary, the available evidence is currently insufficient to determine the role of this variant in disease. Therefore, it has been classified as a Variant of Uncertain Significance.

Ambry Genetics
Classification: Uncertain significance for Inborn genetic diseases. Last evaluated: 2025-08-12. Review status: criteria provided, single submitter. Criteria: Ambry Variant Classification Scheme 2023. Collection method: clinical testing. Allele origin: germline.